The following is an entry in ClinVar:

NM_198282.4(STING1):c.946+5G>T

Gene: STING1 (stimulator of interferon response cGAMP interactor 1; minus strand). Cytogenetic location: 5q31.2.
Variant type: single nucleotide variant.
Coding change: c.946+5G>T on transcript NM_198282.4 (MANE Select); 5 bases into the intron after coding-DNA position 946, G replaced by T.
Molecular consequence: intron variant.
Genome position (GRCh38, 1-based): chr5:139,477,324, C>A on the plus strand (G>T on the coding strand, the complement: STING1 is on the minus strand). VCF-style: chr5-139477324-C-A. GRCh37 (hg19) VCF-style: chr5-138856909-C-A.
Other names: c.589+5G>T (NM_001367258.1); c.760-870G>T (NM_001301738.2).
Identifiers: ClinVar variation 2022270 (VCV002022270.4), dbSNP rs776838039, ClinGen allele CA2580072944.

ClinVar aggregate classification (germline): Uncertain significance (1 of 4 stars; one submission).

Conditions:
STING-associated vasculopathy with onset in infancy. Also called: Sting-associated vasculopathy, infantile-onset. Identifiers: Orphanet 425120, MedGen C4014722, MONDO:0014405, OMIM 615934.

Submission:

Labcorp Genetics (formerly Invitae), Labcorp
Classification: Uncertain significance for STING-associated vasculopathy with onset in infancy. Last evaluated: 2022-09-07. Review status: criteria provided, single submitter. Criteria: Invitae Variant Classification Sherloc (09022015). Collection method: clinical testing. Allele origin: germline.
Comment: This sequence change falls in intron 7 of the TMEM173 gene. It does not directly change the encoded amino acid sequence of the TMEM173 protein. It affects a nucleotide within the consensus splice site. This variant is not present in population databases (gnomAD no frequency). This variant has not been reported in the literature in individuals affected with TMEM173-related conditions. Variants that disrupt the consensus splice site are a relatively common cause of aberrant splicing (PMID: 17576681, 9536098). Algorithms developed to predict the effect of sequence changes on RNA splicing suggest that this variant may disrupt the consensus splice site. In summary, the available evidence is currently insufficient to determine the role of this variant in disease. Therefore, it has been classified as a Variant of Uncertain Significance.

Literature cited by the submitters: PubMed 17576681; PubMed 9536098.